The following is an entry in ClinVar:

ClinVar aggregate classification (germline): Pathogenic. Review status: criteria provided, single submitter (1 of 4 stars). 2 submissions from 2 submitters: Pathogenic (1). 1 of the submissions does not count toward it. Last evaluated 2022-08-19.

Conditions:
Episodic ataxia type 2 (EA2). Also called: EPISODIC ATAXIA, NYSTAGMUS-ASSOCIATED; ACETAZOLAMIDE-RESPONSIVE HEREDITARY PAROXYSMAL CEREBELLAR ATAXIA; ATAXIA, EPISODIC, WITH NYSTAGMUS; ATAXIA, FAMILIAL PAROXYSMAL; CEREBELLAR ATAXIA, PAROXYSMAL, ACETAZOLAMIDE-RESPONSIVE; CEREBELLOPATHY, HEREDITARY PAROXYSMAL. Identifiers: Orphanet 97, MedGen C1720416, MONDO:0007163, OMIM 108500.
Developmental and epileptic encephalopathy, 42 (DEE42A). Also called: DEVELOPMENTAL AND EPILEPTIC ENCEPHALOPATHY 42A; EPILEPTIC ENCEPHALOPATHY, EARLY INFANTILE, 42A; Epileptic encephalopathy, early infantile, 42. Identifiers: MedGen C4310716, MONDO:0014917, OMIM 617106.
Migraine, familial hemiplegic, 1. Also called: MIGRAINE, FAMILIAL HEMIPLEGIC 1, WITH PROGRESSIVE CEREBELLAR ATAXIA. Identifiers: Orphanet 569, MedGen C1832884, MONDO:0020756, OMIM 141500, MONDO:0007714.

Submissions (2):

Labcorp Genetics (formerly Invitae), Labcorp
Classification: Pathogenic for Developmental and epileptic encephalopathy, 42; Episodic ataxia type 2. Last evaluated: 2022-08-19. Review status: criteria provided, single submitter. Criteria: Invitae Variant Classification Sherloc (09022015). Collection method: clinical testing. Allele origin: germline.
Comment: For these reasons, this variant has been classified as Pathogenic. Advanced modeling of protein sequence and biophysical properties (such as structural, functional, and spatial information, amino acid conservation, physicochemical variation, residue mobility, and thermodynamic stability) performed at Invitae indicates that this missense variant is expected to disrupt CACNA1A protein function. ClinVar contains an entry for this variant (Variation ID: 68439). This missense change has been observed in individual(s) with familial hemiplegic migraine (PMID: 11439943). It has also been observed to segregate with disease in related individuals. This variant is not present in population databases (gnomAD no frequency). This sequence change replaces arginine, which is basic and polar, with lysine, which is basic and polar, at codon 195 of the CACNA1A protein (p.Arg195Lys).

UniProtKB/Swiss-Prot
No classification provided. Condition: Familial hemiplegic migraine type 1. Review status: no classification provided. Collection method: not provided. Allele origin: not provided. Not counted in ClinVar's aggregate classification.

Literature cited by the submitters: PubMed 11439943 (cited by Labcorp Genetics (formerly Invitae), Labcorp).

NM_001127222.2(CACNA1A):c.584G>A (p.Arg195Lys)

Gene: CACNA1A (calcium voltage-gated channel subunit alpha1 A; minus strand). Cytogenetic location: 19p13.13.
Variant type: single nucleotide variant.
Coding change: c.584G>A on transcript NM_001127222.2 (MANE Select); coding-DNA position 584, G replaced by A.
Protein change: p.Arg195Lys; replaces arginine 195 with lysine.
Molecular consequence: missense variant.
Genome position (GRCh38, 1-based): chr19:13,371,735, C>T on the plus strand (G>A on the coding strand, the complement: CACNA1A is on the minus strand). VCF-style: chr19-13371735-C-T. GRCh37 (hg19) VCF-style: chr19-13482549-C-T.
Other names: c.584G>A, p.Arg195Lys (NM_000068.4, NM_001127221.2, NM_001174080.2 and 1 more transcripts); short protein forms R195K.
Identifiers: ClinVar variation 68439 (VCV000068439.6), dbSNP rs121908222, ClinGen allele CA266071.